The following is an entry in ClinVar:

NM_014314.4(RIGI):c.1456G>A (p.Ala486Thr)

Gene: RIGI (RNA sensor RIG-I; minus strand). Cytogenetic location: 9p21.1.
Variant type: single nucleotide variant.
Coding change: c.1456G>A on transcript NM_014314.4 (MANE Select); coding-DNA position 1456, G replaced by A.
Protein change: p.Ala486Thr; replaces alanine 486 with threonine.
Molecular consequence: missense variant.
Genome position (GRCh38, 1-based): chr9:32,485,199, C>T on the plus strand (G>A on the coding strand, the complement: RIGI is on the minus strand). VCF-style: chr9-32485199-C-T. GRCh37 (hg19) VCF-style: chr9-32485197-C-T.
Other names: c.1450G>A, p.Ala484Thr (NM_001385907.1); c.1456G>A, p.Ala486Thr (NM_001385909.1); c.1015G>A, p.Ala339Thr (NM_001385910.1); c.847G>A, p.Ala283Thr (NM_001385912.1); c.1441G>A, p.Ala481Thr (NM_001385913.1); c.1012G>A, p.Ala338Thr (NM_001385914.1); short protein forms A481T, A484T, A338T, A486T, A283T, A339T.
Identifiers: ClinVar variation 2960577 (VCV002960577.4), dbSNP rs1346144126, ClinGen allele CA373154481.

ClinVar aggregate classification (germline): Uncertain significance. Review status: criteria provided, multiple submitters, no conflicts (2 of 4 stars). 2 submissions from 2 submitters: Uncertain significance (2). Last evaluated 2025-09-29.

Allele frequency attached by ClinVar (database versions not stated): TOPMed below 0.00001.
gnomAD v4.1: 8 of 1,606,126 alleles (0.0005%); highest among the groups gnomAD compares: Middle Eastern, 0.033%; no homozygotes.

Submissions (2):

Labcorp Genetics (formerly Invitae), Labcorp
Classification: Uncertain significance. Last evaluated: 2025-09-29. Review status: criteria provided, single submitter. Criteria: Invitae Variant Classification Sherloc (09022015). Collection method: clinical testing. Allele origin: germline.
Comment: This sequence change replaces alanine, which is neutral and non-polar, with threonine, which is neutral and polar, at codon 486 of the DDX58 protein (p.Ala486Thr). The frequency data for this variant in the population databases is considered unreliable, as metrics indicate poor data quality at this position in the gnomAD database. This variant has not been reported in the literature in individuals affected with DDX58-related conditions. ClinVar contains an entry for this variant (Variation ID: 2960577). Invitae Evidence Modeling of protein sequence and biophysical properties (such as structural, functional, and spatial information, amino acid conservation, physicochemical variation, residue mobility, and thermodynamic stability) indicates that this missense variant is expected to disrupt DDX58 protein function with a positive predictive value of 80%. In summary, the available evidence is currently insufficient to determine the role of this variant in disease. Therefore, it has been classified as a Variant of Uncertain Significance.

Blueprint Genetics
Classification: Uncertain significance. Last evaluated: 2020-11-07. Review status: criteria provided, single submitter. Criteria: ACMG Guidelines, 2015. Collection method: clinical testing. Allele origin: germline.